The following is an entry in ClinVar:

NC_000005.9:g.(?_118877580)_(118877689_?)del

Gene: HSD17B4 (hydroxysteroid 17-beta dehydrogenase 4; plus strand). Cytogenetic location: 5q23.1.
Variant type: Deletion.
Identifiers: ClinVar variation 2423042 (VCV002423042.4).

ClinVar aggregate classification (germline): Uncertain significance (1 of 4 stars; one submission).

Conditions:
Perrault syndrome. Also called: Gonadal dysgenesis with auditory dysfunction, autosomal recessive inheritance. Identifiers: Orphanet 2855, MedGen C0685838, MONDO:0017312.
Bifunctional peroxisomal enzyme deficiency (DBIF). Also called: DBP DEFICIENCY; D-bifunctional protein deficiency; PBFE DEFICIENCY. Identifiers: Orphanet 300, MedGen C0342870, MONDO:0009855, OMIM 261515. Disease mechanism: loss of function.

Submission:

Labcorp Genetics (formerly Invitae), Labcorp
Classification: Uncertain significance for Perrault syndrome; Bifunctional peroxisomal enzyme deficiency. Last evaluated: 2022-02-22. Review status: criteria provided, single submitter. Criteria: Invitae Variant Classification Sherloc (09022015). Collection method: clinical testing. Allele origin: germline.
Comment: This variant disrupts a region of the HSD17B4 protein in which other variant(s) (p.Leu736His) have been observed in individuals with HSD17B4-related conditions (PMID: 20681997). This suggests that this is a clinically significant region of the protein, and that variants that disrupt it are likely to be disease-causing. In summary, the available evidence is currently insufficient to determine the role of this variant in disease. Therefore, it has been classified as a Variant of Uncertain Significance. This variant has not been reported in the literature in individuals affected with HSD17B4-related conditions. This variant is a gross deletion of the genomic region encompassing exon(s) 24 of the HSD17B4 gene, which includes the termination codon. This deletion extends beyond the assayed region for this gene and therefore may encompass additional genes. While this deletion is not anticipated to lead to nonsense mediated decay, it is expected to alter mRNA translation or result in a truncated protein product.

Literature cited by the submitters: PubMed 20681997.